The following is an entry in ClinVar:

NM_000548.5(TSC2):c.3205G>A (p.Val1069Met)

Gene: TSC2 (TSC complex subunit 2; plus strand). Cytogenetic location: 16p13.3.
Variant type: single nucleotide variant.
Coding change: c.3205G>A on transcript NM_000548.5 (MANE Select); coding-DNA position 3205, G replaced by A.
Protein change: p.Val1069Met; replaces valine 1069 with methionine.
Molecular consequence: missense variant.
Genome position (GRCh38, 1-based): chr16:2,079,349, G>A. VCF-style: chr16-2079349-G-A. GRCh37 (hg19) VCF-style: chr16-2129350-G-A.
Other names: c.3073G>A, p.Val1025Met (NM_001077183.3, NM_001370404.1); c.3205G>A, p.Val1069Met (NM_001114382.3); c.2965G>A, p.Val989Met (NM_001318827.2); c.2929G>A, p.Val977Met (NM_001318829.2); c.2473G>A, p.Val825Met (NM_001318831.2); c.3106G>A, p.Val1036Met (NM_001318832.2); c.3076G>A, p.Val1026Met (NM_001363528.2, NM_001370405.1, NM_021055.3); short protein forms V1025M, V1026M, V1036M, V1069M, V825M, V977M, V989M.
Identifiers: ClinVar variation 1062343 (VCV001062343.9), dbSNP rs2151438862, ClinGen allele CA394285778.
Genomic context (GRCh38, chr16:2,079,349, plus strand): 5'-GAGTTCCTCCTAGCGGGTGGCAGGACCAAAACCTGGCTGGTTGGGAACAAGCTTGTCACT[G>A]TGACGACAAGCGTGGGAACCGGGACCCGGTCGTTACTAGGCCTGGACTCGGGGGAGCTGC-3'
Protein context (NP_000539.2, residues 1059-1079): TWLVGNKLVT[Val1069Met]TTSVGTGTRS

ClinVar aggregate classification (germline): Uncertain significance (1 of 4 stars; one submission).

Conditions:
Tuberous sclerosis 2 (TSC2). Identifiers: Orphanet 805, MedGen C1860707, MONDO:0013199, OMIM 613254.

gnomAD v4.1: 1 of 1,613,016 alleles (0.000062%); highest among the groups gnomAD compares: African/African-American, 0.0013%; no homozygotes.

Submission:

Labcorp Genetics (formerly Invitae), Labcorp
Classification: Uncertain significance for Tuberous sclerosis 2. Last evaluated: 2024-05-24. Review status: criteria provided, single submitter. Criteria: Invitae Variant Classification Sherloc (09022015). Collection method: clinical testing. Allele origin: germline.
Comment: This sequence change replaces valine, which is neutral and non-polar, with methionine, which is neutral and non-polar, at codon 1069 of the TSC2 protein (p.Val1069Met). This variant is not present in population databases (gnomAD no frequency). This variant has not been reported in the literature in individuals affected with TSC2-related conditions. ClinVar contains an entry for this variant (Variation ID: 1062343). Advanced modeling of protein sequence and biophysical properties (such as structural, functional, and spatial information, amino acid conservation, physicochemical variation, residue mobility, and thermodynamic stability) performed at Invitae indicates that this missense variant is not expected to disrupt TSC2 protein function with a negative predictive value of 95%. In summary, the available evidence is currently insufficient to determine the role of this variant in disease. Therefore, it has been classified as a Variant of Uncertain Significance.